The following is an entry in ClinVar:

ClinVar aggregate classification (germline): Uncertain significance. Review status: criteria provided, multiple submitters, no conflicts (2 of 4 stars). 2 submissions from 2 submitters: Uncertain significance (2). Last evaluated 2025-06-29.

Conditions:
Hereditary nonpolyposis colorectal neoplasms. Identifiers: MedGen C0009405, MeSH D003123.
Hereditary cancer-predisposing syndrome. Also called: Neoplastic Syndromes, Hereditary; Tumor predisposition; Hereditary neoplastic syndrome; Hereditary Cancer Syndrome. Identifiers: Orphanet 140162, MedGen C0027672, MeSH D009386, MONDO:0015356.

Submissions (2):

Ambry Genetics
Classification: Uncertain significance for Hereditary cancer-predisposing syndrome. Last evaluated: 2025-06-29. Review status: criteria provided, single submitter. Criteria: Ambry Variant Classification Scheme 2023. Collection method: clinical testing. Allele origin: germline.
Comment: The p.Q160P variant (also known as c.479A>C), located in coding exon 3 of the MSH6 gene, results from an A to C substitution at nucleotide position 479. The glutamine at codon 160 is replaced by proline, an amino acid with similar properties. This amino acid position is well conserved in available vertebrate species. In addition, this alteration is predicted to be tolerated by in silico analysis. Since supporting evidence is limited at this time, the clinical significance of this alteration remains unclear.

Labcorp Genetics (formerly Invitae), Labcorp
Classification: Uncertain significance for Hereditary nonpolyposis colorectal neoplasms. Last evaluated: 2024-08-12. Review status: criteria provided, single submitter. Criteria: Invitae Variant Classification Sherloc (09022015). Collection method: clinical testing. Allele origin: germline.
Comment: This sequence change replaces glutamine, which is neutral and polar, with proline, which is neutral and non-polar, at codon 160 of the MSH6 protein (p.Gln160Pro). This variant is not present in population databases (gnomAD no frequency). This variant has not been reported in the literature in individuals affected with MSH6-related conditions. ClinVar contains an entry for this variant (Variation ID: 825180). Advanced modeling of protein sequence and biophysical properties (such as structural, functional, and spatial information, amino acid conservation, physicochemical variation, residue mobility, and thermodynamic stability) performed at Invitae indicates that this missense variant is not expected to disrupt MSH6 protein function with a negative predictive value of 95%. In summary, the available evidence is currently insufficient to determine the role of this variant in disease. Therefore, it has been classified as a Variant of Uncertain Significance.

NM_000179.3(MSH6):c.479A>C (p.Gln160Pro)

Gene: MSH6 (mutS homolog 6; plus strand). Cytogenetic location: 2p16.3.
Variant type: single nucleotide variant.
Coding change: c.479A>C on transcript NM_000179.3 (MANE Select); coding-DNA position 479, A replaced by C.
Protein change: p.Gln160Pro; replaces glutamine 160 with proline.
Molecular consequence: missense variant. On other transcripts: 5 prime UTR variant (1), intron variant (2).
Genome position (GRCh38, 1-based): chr2:47,795,915, A>C. VCF-style: chr2-47795915-A-C. GRCh37 (hg19) VCF-style: chr2-48023054-A-C.
Other names: c.-424A>C (NM_001281494.2); c.-279-2696A>C (NM_001281493.2); c.238-2696A>C (NM_001281492.2); short protein forms Q160P.
Identifiers: ClinVar variation 825180 (VCV000825180.14), dbSNP rs1553411397, ClinGen allele CA346738600.